The following is an entry in ClinVar:

NM_032229.3(SLITRK6):c.1105A>T (p.Ile369Phe)

Gene: SLITRK6 (SLIT and NTRK like family member 6; minus strand). Cytogenetic location: 13q31.1.
Variant type: single nucleotide variant.
Coding change: c.1105A>T on transcript NM_032229.3 (MANE Select); coding-DNA position 1105, A replaced by T.
Protein change: p.Ile369Phe; replaces isoleucine 369 with phenylalanine.
Molecular consequence: missense variant.
Genome position (GRCh38, 1-based): chr13:85,795,404, T>A on the plus strand (A>T on the coding strand, the complement: SLITRK6 is on the minus strand). VCF-style: chr13-85795404-T-A. GRCh37 (hg19) VCF-style: chr13-86369539-T-A.
Other names: short protein forms I369F.
Identifiers: ClinVar variation 3343402 (VCV003343402.1).

ClinVar aggregate classification (germline): Uncertain significance (1 of 4 stars; one submission).

gnomAD v4.1: 6 of 1,612,584 alleles (0.00037%); highest among the groups gnomAD compares: Non-Finnish European, 0.00051%; no homozygotes.

Submission:

GeneDx
Classification: Uncertain significance. Last evaluated: 2023-05-22. Review status: criteria provided, single submitter. Criteria: GeneDx Variant Classification Process June 2021. Collection method: clinical testing. Allele origin: germline. Affected: yes.
Comment: Not observed at significant frequency in large population cohorts (gnomAD); In silico analysis supports that this missense variant does not alter protein structure/function; Has not been previously published as pathogenic or benign to our knowledge